The following is an entry in ClinVar:

ClinVar aggregate classification (germline): Uncertain significance (1 of 4 stars; one submission).

Conditions:
POLD1-related polyposis and colorectal cancer syndrome (CRCS10). Also called: Colorectal cancer 10; COLORECTAL CANCER, SUSCEPTIBILITY TO, ON CHROMOSOME 19q; Colorectal cancer, susceptibility to, 10. Identifiers: Orphanet 220460, MedGen C2675481, MONDO:0012953, OMIM 612591.

Submission:

Labcorp Genetics (formerly Invitae), Labcorp
Classification: Uncertain significance for POLD1-related polyposis and colorectal cancer syndrome. Last evaluated: 2018-05-10. Review status: criteria provided, single submitter. Criteria: Invitae Variant Classification Sherloc (09022015). Collection method: clinical testing. Allele origin: germline.
Comment: In summary, the available evidence is currently insufficient to determine the role of this variant in disease. Therefore, it has been classified as a Variant of Uncertain Significance. Algorithms developed to predict the effect of missense changes on protein structure and function (SIFT, PolyPhen-2, Align-GVGD) all suggest that this variant is likely to be tolerated, but these predictions have not been confirmed by published functional studies and their clinical significance is uncertain. This variant has not been reported in the literature in individuals with POLD1-related disease. This variant is not present in population databases (ExAC no frequency). This sequence change replaces glycine with alanine at codon 625 of the POLD1 protein (p.Gly625Ala). The glycine residue is moderately conserved and there is a small physicochemical difference between glycine and alanine.

NM_002691.4(POLD1):c.1874G>C (p.Gly625Ala)

Gene: POLD1 (DNA polymerase delta 1, catalytic subunit; plus strand). Cytogenetic location: 19q13.33.
Variant type: single nucleotide variant.
Coding change: c.1874G>C on transcript NM_002691.4 (MANE Select); coding-DNA position 1874, G replaced by C.
Protein change: p.Gly625Ala; replaces glycine 625 with alanine.
Molecular consequence: missense variant. On other transcripts: non-coding transcript variant (1).
Genome position (GRCh38, 1-based): chr19:50,408,883, G>C. VCF-style: chr19-50408883-G-C. GRCh37 (hg19) VCF-style: chr19-50912140-G-C.
Other names: c.1874G>C, p.Gly625Ala (NM_001256849.1); c.1952G>C, p.Gly651Ala (NM_001308632.1); short protein forms G651A, G625A.
Identifiers: ClinVar variation 566648 (VCV000566648.8), dbSNP rs1568630394, ClinGen allele CA406982135.
Genomic context (GRCh38, chr19:50,408,883, plus strand): 5'-CGCTGTACCCGTCCATCATGATGGCCCACAACCTGTGTTACACCACGCTCCTTCGGCCCG[G>C]GACTGCACAGAAACTGGGGTATAGTGCCCAATTCAGCATGTGTCCCCCGAGGCCCATCTG-3'
Protein context (NP_002682.2, residues 615-635): NLCYTTLLRP[Gly625Ala]TAQKLGLTED